The following is an entry in ClinVar:

ClinVar aggregate classification (germline): Pathogenic/Likely pathogenic. Review status: criteria provided, multiple submitters, no conflicts (2 of 4 stars). 4 submissions from 4 submitters: Pathogenic (2); Likely pathogenic (2). Last evaluated 2026-06-05.

Conditions:
Neurofibromatosis, type 1 (NF1). Also called: VON RECKLINGHAUSEN DISEASE; Peripheral type neurofibromatosis; NEUROFIBROMATOSIS, TYPE I, SOMATIC; Neurofibromatosis, type I. Identifiers: Orphanet 636, MedGen C0027831, MONDO:0018975, OMIM 162200. Disease mechanism: loss of function.
NF1-related disorder. Also called: NF1-related condition. Identifiers: MedGen CN379171.

Submissions (4):

PreventionGenetics, part of Exact Sciences
Classification: Likely pathogenic for NF1-related condition. Last evaluated: 2026-06-05. Review status: criteria provided, single submitter. Criteria: ACMG Guidelines, 2015. Collection method: clinical testing. Allele origin: germline.
Comment: The NF1 c.3058G>T variant is predicted to result in premature protein termination (p.Glu1020*). This variant was reported in an individual with neurofibromatosis type 1 (Evlice et al. 2023. PubMed ID: 37471196). This variant has not been reported in a large population database (gnomAD), indicating this variant is rare. Nonsense variants in NF1 are expected to be pathogenic. This variant is interpreted as likely pathogenic.

Labcorp Genetics (formerly Invitae), Labcorp
Classification: Pathogenic for Neurofibromatosis, type 1. Last evaluated: 2025-02-11. Review status: criteria provided, single submitter. Criteria: Invitae Variant Classification Sherloc (09022015). Collection method: clinical testing. Allele origin: germline.
Comment: This sequence change creates a premature translational stop signal (p.Glu1020*) in the NF1 gene. It is expected to result in an absent or disrupted protein product. Loss-of-function variants in NF1 are known to be pathogenic (PMID: 10712197, 23913538). This variant is not present in population databases (gnomAD no frequency). This variant has not been reported in the literature in individuals affected with NF1-related conditions. ClinVar contains an entry for this variant (Variation ID: 839592). For these reasons, this variant has been classified as Pathogenic.

Genome-Nilou Lab
Classification: Pathogenic for Neurofibromatosis, type 1. Last evaluated: 2022-03-15. Review status: criteria provided, single submitter. Criteria: ACMG Guidelines, 2015. Collection method: clinical testing. Allele origin: germline. Affected: no.

Genetic Services Laboratory, University of Chicago
Classification: Likely pathogenic. Last evaluated: 2019-12-24. Review status: criteria provided, single submitter. Criteria: ACMG Guidelines, 2015. Collection method: clinical testing. Allele origin: germline. Affected: yes.

Literature cited by the submitters: PubMed 10712197 (cited by Labcorp Genetics (formerly Invitae), Labcorp); PubMed 23913538 (cited by Labcorp Genetics (formerly Invitae), Labcorp).

NM_001042492.3(NF1):c.3058G>T (p.Glu1020Ter)

Gene: NF1 (neurofibromin 1; plus strand). Cytogenetic location: 17q11.2.
Variant type: single nucleotide variant.
Coding change: c.3058G>T on transcript NM_001042492.3 (MANE Select); coding-DNA position 3058, G replaced by T.
Protein change: p.Glu1020Ter; replaces glutamic acid 1020 with a stop codon.
Molecular consequence: nonsense.
Genome position (GRCh38, 1-based): chr17:31,230,327, G>T. VCF-style: chr17-31230327-G-T. GRCh37 (hg19) VCF-style: chr17-29557345-G-T.
Other names: c.3058G>T, p.Glu1020Ter (NM_000267.4); short protein forms E1020*.
Identifiers: ClinVar variation 839592 (VCV000839592.12), dbSNP rs2067091885, ClinGen allele CA398987408.